The following is an entry in ClinVar:

ClinVar aggregate classification (germline): Uncertain significance (1 of 4 stars; one submission).

Submission:

CeGaT Center for Human Genetics Tuebingen
Classification: Uncertain significance. Last evaluated: 2026-03-01. Review status: criteria provided, single submitter. Criteria: CeGaT Center For Human Genetics Tuebingen Variant Classification Criteria Version 2. Collection method: clinical testing. Allele origin: germline. Affected: yes. Observed: 1 variant allele.
Comment: LMNA: PM2, PVS1:Moderate

NM_170707.4(LMNA):c.1968+11del

Gene: LMNA (lamin A/C; plus strand). Cytogenetic location: 1q22.
Variant type: Deletion.
Coding change: c.1968+11del on transcript NM_170707.4 (MANE Select); 11 bases into the intron after coding-DNA position 1968, one base deleted (T; older notation c.1968+11delT).
Molecular consequence: intron variant.
Genome position (GRCh38, 1-based): chr1:156,138,768, T deleted. VCF-style (leftmost placement, unchanged base first): chr1-156138767-CT-C. GRCh37 (hg19) VCF-style: chr1-156108558-CT-C.
Other names: c.1968+11del (NM_001406983.1, NM_001406991.1, NM_001406985.1); c.1410+11del (NM_001406993.1, NM_001406995.1, NM_001406990.1 and 2 more transcripts); c.1344+11del (NM_001406999.1, NM_001407000.1, NM_001406994.1 and 1 more transcripts); c.1725+11del (NM_001406986.1, NM_001406987.1); c.1818+161del (NM_001282626.2); c.1878+11del (NM_170708.4); c.1632+11del (NM_001406989.1, NM_001257374.3); c.1671+11del (NM_001406988.1).
Identifiers: ClinVar variation 4823809 (VCV004823809.4).